The following is an entry in ClinVar:

NM_152703.5(SAMD9L):c.3260C>A (p.Ala1087Asp)

Gene: SAMD9L (sterile alpha motif domain containing 9 like; minus strand). Cytogenetic location: 7q21.2.
Variant type: single nucleotide variant.
Coding change: c.3260C>A on transcript NM_152703.5 (MANE Select); coding-DNA position 3260, C replaced by A.
Protein change: p.Ala1087Asp; replaces alanine 1087 with aspartic acid.
Molecular consequence: missense variant.
Genome position (GRCh38, 1-based): chr7:93,132,712, G>T on the plus strand (C>A on the coding strand, the complement: SAMD9L is on the minus strand). VCF-style: chr7-93132712-G-T. GRCh37 (hg19) VCF-style: chr7-92762025-G-T.
Other names: c.3260C>A, p.Ala1087Asp (NM_001303496.3, NM_001303497.3, NM_001303498.3 and 5 more transcripts); c.3260C>A (NM_152703.2); short protein forms A1087D.
Identifiers: ClinVar variation 2961049 (VCV002961049.4), dbSNP rs747115736, ClinGen allele CA368183850.

ClinVar aggregate classification (germline): Uncertain significance. Review status: criteria provided, multiple submitters, no conflicts (2 of 4 stars). 2 submissions from 2 submitters: Uncertain significance (2). Last evaluated 2025-03-20.

Conditions:
Inborn genetic diseases. Identifiers: MedGen C0950123, MeSH D030342.

gnomAD v4.1: 12 of 1,613,814 alleles (0.00074%); highest among the groups gnomAD compares: Non-Finnish European, 0.00093%; no homozygotes.

Submissions (2):

Ambry Genetics
Classification: Uncertain significance for Inborn genetic diseases. Last evaluated: 2025-03-20. Review status: criteria provided, single submitter. Criteria: Ambry Variant Classification Scheme 2023. Collection method: clinical testing. Allele origin: germline.
Comment: The p.A1087D variant (also known as c.3260C>A), located in coding exon 1 of the SAMD9L gene, results from a C to A substitution at nucleotide position 3260. The alanine at codon 1087 is replaced by aspartic acid, an amino acid with dissimilar properties. This amino acid position is conserved. In addition, the in silico prediction for this alteration is inconclusive. Based on the available evidence, the clinical significance of this variant remains unclear.

Labcorp Genetics (formerly Invitae), Labcorp
Classification: Uncertain significance. Last evaluated: 2023-03-17. Review status: criteria provided, single submitter. Criteria: Invitae Variant Classification Sherloc (09022015). Collection method: clinical testing. Allele origin: germline.
Comment: In summary, the available evidence is currently insufficient to determine the role of this variant in disease. Therefore, it has been classified as a Variant of Uncertain Significance. This sequence change replaces alanine, which is neutral and non-polar, with aspartic acid, which is acidic and polar, at codon 1087 of the SAMD9L protein (p.Ala1087Asp). The frequency data for this variant in the population databases is considered unreliable, as metrics indicate poor data quality at this position in the gnomAD database. This variant has not been reported in the literature in individuals affected with SAMD9L-related conditions. Advanced modeling of protein sequence and biophysical properties (such as structural, functional, and spatial information, amino acid conservation, physicochemical variation, residue mobility, and thermodynamic stability) performed at Invitae indicates that this missense variant is expected to disrupt SAMD9L protein function.